The following is an entry in ClinVar:

ClinVar aggregate classification (germline): Uncertain significance (1 of 4 stars; one submission).

Allele frequency attached by ClinVar (database versions not stated): gnomAD exomes below 0.00001.
gnomAD v4.1: 1 of 1,614,188 alleles (0.000062%); highest among the groups gnomAD compares: Non-Finnish European, 0.000085%; no homozygotes.

Submission:

Labcorp Genetics (formerly Invitae), Labcorp
Classification: Uncertain significance. Last evaluated: 2022-02-24. Review status: criteria provided, single submitter. Criteria: Invitae Variant Classification Sherloc (09022015). Collection method: clinical testing. Allele origin: germline.
Comment: This variant has not been reported in the literature in individuals affected with OPN1SW-related conditions. In summary, the available evidence is currently insufficient to determine the role of this variant in disease. Therefore, it has been classified as a Variant of Uncertain Significance. Algorithms developed to predict the effect of missense changes on protein structure and function are either unavailable or do not agree on the potential impact of this missense change (SIFT: "Deleterious"; PolyPhen-2: "Benign"; Align-GVGD: "Class C0"). ClinVar contains an entry for this variant (Variation ID: 852775). This variant is not present in population databases (gnomAD no frequency). This sequence change replaces threonine, which is neutral and polar, with isoleucine, which is neutral and non-polar, at codon 339 of the OPN1SW protein (p.Thr339Ile).

NC_000007.14:g.128772571G>A

Genes: CALU (calumenin; plus strand), OPN1SW (opsin 1, short wave sensitive; minus strand). Cytogenetic location: 7q32.1.
Variant type: single nucleotide variant.
Molecular consequence: 3 prime UTR variant (on NM_001219.5). On other transcripts: non-coding transcript variant (1).
Genome position: GRCh38 VCF-style: chr7-128772571-G-A. GRCh37 (hg19) VCF-style: chr7-128412625-G-A.
Other names: NM_001708.2:c.1016C>T; c.*3404G>A (NM_001130674.3, NM_001199671.2, NM_001199672.2 and 1 more transcripts); c.*3477G>A (NM_001199673.2).
Identifiers: ClinVar variation 852775 (VCV000852775.11), dbSNP rs1801627905, ClinGen allele CA369215984.